The following is an entry in ClinVar:

NM_003803.4(MYOM1):c.290+14C>G

Gene: MYOM1 (myomesin 1; minus strand). Cytogenetic location: 18p11.31.
Variant type: single nucleotide variant.
Coding change: c.290+14C>G on transcript NM_003803.4 (MANE Select); 14 bases into the intron after coding-DNA position 290, C replaced by G.
Molecular consequence: intron variant.
Genome position (GRCh38, 1-based): chr18:3,214,920, G>C on the plus strand (C>G on the coding strand, the complement: MYOM1 is on the minus strand). VCF-style: chr18-3214920-G-C. GRCh37 (hg19) VCF-style: chr18-3214918-G-C.
Other names: c.290+14C>G (NM_019856.2).
Identifiers: ClinVar variation 226816 (VCV000226816.16), dbSNP rs7232679, ClinGen allele CA8875297.
Genomic context (GRCh38, chr18:3,214,920, plus strand): 5'-AGTAACTGGGAGGGTTACTCAGAGCACACGCCTCTTCCTGAGGTTGGAAGGTTGGAGGAG[G>C]GCGTCCGACATACCCATGGGAGGAGCCATAATCGTAGGCTGAGGCTGCCTTCCGACTGAC-3'

ClinVar aggregate classification (germline): Benign. Review status: criteria provided, multiple submitters, no conflicts (2 of 4 stars). 4 submissions from 4 submitters: Benign (4). Last evaluated 2026-02-04.

Conditions:
Hypertrophic cardiomyopathy. Also called: HYPERTROPHIC MYOCARDIOPATHY. Identifiers: Orphanet 217569, MedGen C0007194, MeSH D002312, MONDO:0005045, HP:0001639.

Allele frequency attached by ClinVar (database versions not stated): gnomAD exomes 0.27164; ExAC 0.28570; 1000 Genomes Project 0.28614; 1000 Genomes Project 30x 0.28998; ESP Exome Variant Server 0.29076; TOPMed 0.29615; gnomAD 0.30187 and 0.30460.
gnomAD v4.1: 438,376 of 1,561,468 alleles (28%); highest among the groups gnomAD compares: African/African-American, 38%; 62,762 homozygotes.

Submissions (4):

Labcorp Genetics (formerly Invitae), Labcorp
Classification: Benign for Hypertrophic cardiomyopathy. Last evaluated: 2026-02-04. Review status: criteria provided, single submitter. Criteria: Invitae Variant Classification Sherloc (09022015). Collection method: clinical testing. Allele origin: germline.

GeneDx
Classification: Benign. Last evaluated: 2018-09-04. Review status: criteria provided, single submitter. Criteria: GeneDx Variant Classification Process June 2021. Collection method: clinical testing. Allele origin: germline. Affected: yes.

Laboratory for Molecular Medicine, Mass General Brigham Personalized Medicine
Classification: Benign. Last evaluated: 2014-11-24. Review status: criteria provided, single submitter. Criteria: LMM Criteria. Collection method: clinical testing. Allele origin: germline. Observed: 229 variant alleles.
Comment: 290+14C>G in intron 2 of MYOM1: This variant is not expected to have clinical si gnificance because it is not located within the conserved splice consensus seque nce. It has been identified in 35.1% (1424/4058) of African American chromosomes from a broad population by the NHLBI Exome Sequencing Project (dbSNP rs7232679).

Breakthrough Genomics
Classification: Benign. Review status: criteria provided, single submitter. Criteria: ACMG Guidelines, 2015. Collection method: not provided. Allele origin: germline. Inheritance: Unknown mechanism. Affected: yes.